The following is an entry in ClinVar:

ClinVar aggregate classification (germline): Pathogenic (1 of 4 stars; one submission).

Submission:

GeneDx
Classification: Pathogenic. Last evaluated: 2025-02-12. Review status: criteria provided, single submitter. Criteria: GeneDx Variant Classification Process June 2021. Collection method: clinical testing. Allele origin: germline. Affected: yes.
Comment: Nonsense variant predicted to result in protein truncation or nonsense mediated decay in a gene for which loss of function is a known mechanism of disease; Not observed at significant frequency in large population cohorts (gnomAD); Has not been previously published as pathogenic or benign to our knowledge

NM_003024.3(ITSN1):c.1363C>T (p.Gln455Ter)

Gene: ITSN1 (intersectin 1; plus strand). Cytogenetic location: 21q22.11.
Variant type: single nucleotide variant.
Coding change: c.1363C>T on transcript NM_003024.3 (MANE Select); coding-DNA position 1363, C replaced by T.
Protein change: p.Gln455Ter; replaces glutamine 455 with a stop codon.
Molecular consequence: nonsense.
Genome position (GRCh38, 1-based): chr21:33,774,786, C>T. VCF-style: chr21-33774786-C-T. GRCh37 (hg19) VCF-style: chr21-35147090-C-T.
Other names: c.1363C>T, p.Gln455Ter (NM_001001132.2, NM_001331008.2, NM_001331009.2 and 2 more transcripts); c.1252C>T, p.Gln418Ter (NM_001331012.2); short protein forms Q418*, Q455*.
Identifiers: ClinVar variation 4075619 (VCV004075619.1).
Genomic context (GRCh38, chr21:33,774,786, plus strand): 5'-CAGGCTGCAAAACGGGAACTTGAAAGGCAACGACAACTTGAGTGGGAACGGAATCGAAGG[C>T]AAGAACTACTAAATCAAAGAAACAAAGAACAAGAGGACATAGTTGTACTGAAAGCAAAGA-3'